The following is an entry in ClinVar:

NM_001166108.2(PALLD):c.1965-12790_1965-12764del

Gene: PALLD (palladin, cytoskeletal associated protein; plus strand). Cytogenetic location: 4q32.3.
Variant type: Deletion.
Coding change: c.1965-12790_1965-12764del on transcript NM_001166108.2 (MANE Select); 12790 bases into the intron before coding-DNA position 1965 through 12764 bases into the intron before coding-DNA position 1965, 27 bases deleted (TGGGGCTCCTCCTCGCCGTCGCCCCCG).
Molecular consequence: intron variant. On other transcripts: inframe deletion (1).
Genome position (GRCh38, 1-based): chr4:168,878,132-168,878,158, TGGGGCTCCTCCTCGCCGTCGCCCCCG deleted; deleting any 27 consecutive bases within chr4:168,878,127-168,878,158 gives the same sequence; the c. name uses the placement nearest the transcript's 3' end. VCF-style (leftmost placement, unchanged base first): chr4-168878126-GCCCCGTGGGGCTCCTCCTCGCCGTCGC-G. GRCh37 (hg19) VCF-style: chr4-169799277-GCCCCGTGGGGCTCCTCCTCGCCGTCGC-G.
Other names: c.241_267del, p.Trp81_Pro89del (NM_001166110.2); c.1965-12790_1965-12764del (NM_016081.4); c.819-12790_819-12764del (NM_001166109.2); c.-157-12790_-157-12764del (NM_001367570.1, NM_001367568.1, NM_001367567.1 and 1 more transcripts).
Identifiers: ClinVar variation 2815845 (VCV002815845.3), dbSNP rs1164236507, ClinGen allele CA556453465.
Genomic context (GRCh38, chr4:168,878,126, plus strand): 5'-AGGCAGTTCGGCCGCGCCCCCGTGCCGCCCTTCGCGCAGCCCTTCGGCGCTGAGCCCGAG[GCCCCGTGGGGCTCCTCCTCGCCGTCGC>G]CCCCGCCCCCGCCACCCCCGGTCTTCAGCCCCACGGCTGCCTTCCCGGTGCCCGACGTGT-3'

ClinVar aggregate classification (germline): Uncertain significance (1 of 4 stars; one submission).

Conditions:
Pancreatic adenocarcinoma. Identifiers: MedGen C0281361, MONDO:0006047, HP:0006725.

Submission:

Labcorp Genetics (formerly Invitae), Labcorp
Classification: Uncertain significance for Pancreatic adenocarcinoma. Last evaluated: 2024-05-19. Review status: criteria provided, single submitter. Criteria: Invitae Variant Classification Sherloc (09022015). Collection method: clinical testing. Allele origin: germline.
Comment: This variant, c.241_267del, results in the deletion of 9 amino acid(s) of the PALLD protein (p.Trp81_Pro89del), but otherwise preserves the integrity of the reading frame. This variant is present in population databases (no rsID available, gnomAD 0.003%). This variant has not been reported in the literature in individuals affected with PALLD-related conditions. Experimental studies and prediction algorithms are not available or were not evaluated, and the functional significance of this variant is currently unknown. In summary, the available evidence is currently insufficient to determine the role of this variant in disease. Therefore, it has been classified as a Variant of Uncertain Significance.